The following is an entry in ClinVar:

ClinVar aggregate classification (germline): Benign. Review status: criteria provided, multiple submitters, no conflicts (2 of 4 stars). 7 submissions from 6 submitters: Benign (7). Last evaluated 2026-06-01.

Conditions:
Acrokeratosis verruciformis of Hopf (AKV). Also called: Acrokeratosis verruciformis; HOPF DISEASE. Identifiers: Orphanet 79151, MedGen C0265971, MONDO:0007048, OMIM 101900.
Keratosis follicularis (DAR). Also called: Darier disease; Darier's disease. Identifiers: Orphanet 218, MedGen C0022595, MONDO:0007417, OMIM 124200.

Allele frequency attached by ClinVar (database versions not stated): 1000 Genomes Project 30x 0.00687; 1000 Genomes Project 0.00719; gnomAD exomes 0.00810 and 0.00965; ESP Exome Variant Server 0.00924; TOPMed 0.00994; gnomAD 0.01033 and 0.01060; ExAC 0.01550.
gnomAD v4.1: 15,182 of 1,579,124 alleles (0.96%); highest among the groups gnomAD compares: African/African-American, 1.4%; 80 homozygotes.

Submissions (7):

CeGaT Center for Human Genetics Tuebingen
Classification: Benign. Last evaluated: 2026-06-01. Review status: criteria provided, single submitter. Criteria: CeGaT Center For Human Genetics Tuebingen Variant Classification Criteria Version 2. Collection method: clinical testing. Allele origin: germline. Affected: yes. Observed: 6 variant alleles.
Comment: ATP2A2: BP4, BS1, BS2

Labcorp Genetics (formerly Invitae), Labcorp
Classification: Benign. Last evaluated: 2026-01-12. Review status: criteria provided, single submitter. Criteria: Invitae Variant Classification Sherloc (09022015). Collection method: clinical testing. Allele origin: germline.

Genome-Nilou Lab
Classification: Benign for Acrokeratosis verruciformis of Hopf. Last evaluated: 2021-12-05. Review status: criteria provided, single submitter. Criteria: ACMG Guidelines, 2015. Collection method: clinical testing. Allele origin: germline. Affected: no.

Genome-Nilou Lab
Classification: Benign for Keratosis follicularis. Last evaluated: 2021-12-05. Review status: criteria provided, single submitter. Criteria: ACMG Guidelines, 2015. Collection method: clinical testing. Allele origin: germline. Affected: no.

Illumina Laboratory Services, Illumina
Classification: Benign for Keratosis follicularis. Last evaluated: 2018-01-13. Review status: criteria provided, single submitter. Criteria: ICSL Variant Classification Criteria 13 December 2019. Collection method: clinical testing. Allele origin: germline.
Comment: This variant was observed in the ICSL laboratory as part of a predisposition screen in an ostensibly healthy population. It had not been previously curated by ICSL or reported in the Human Gene Mutation Database (HGMD: prior to June 1st, 2018), and was therefore a candidate for classification through an automated scoring system. Utilizing variant allele frequency, disease prevalence and penetrance estimates, and inheritance mode, an automated score was calculated to assess if this variant is too frequent to cause the disease. Based on the score and internal cut-off values, a variant classified as benign is not then subjected to further curation. The score for this variant resulted in a classification of benign for this disease.

GeneDx
Classification: Benign. Last evaluated: 2016-02-23. Review status: criteria provided, single submitter. Criteria: GeneDx Variant Classification (06012015). Collection method: clinical testing. Allele origin: germline. Affected: yes.
Comment: This variant is considered likely benign or benign based on one or more of the following criteria: it is a conservative change, it occurs at a poorly conserved position in the protein, it is predicted to be benign by multiple in silico algorithms, and/or has population frequency not consistent with disease.

Breakthrough Genomics
Classification: Benign. Review status: criteria provided, single submitter. Criteria: ACMG Guidelines, 2015. Collection method: not provided. Allele origin: germline. Inheritance: Autosomal dominant inheritance. Affected: yes.

NM_170665.4(ATP2A2):c.81A>G (p.Glu27=)

Gene: ATP2A2 (ATPase sarcoplasmic/endoplasmic reticulum Ca2+ transporting 2; plus strand). Cytogenetic location: 12q24.11.
Variant type: single nucleotide variant.
Coding change: c.81A>G on transcript NM_170665.4 (MANE Select); coding-DNA position 81, A replaced by G.
Protein change: p.Glu27=; no amino-acid change (glutamic acid 27 retained).
Molecular consequence: synonymous variant.
Genome position (GRCh38, 1-based): chr12:110,281,870, A>G. VCF-style: chr12-110281870-A-G. GRCh37 (hg19) VCF-style: chr12-110719675-A-G.
Other names: c.81A>G, p.Glu27= (NM_001681.4).
Identifiers: ClinVar variation 307159 (VCV000307159.38), dbSNP rs3026434, ClinGen allele CA6783574.